The following is an entry in ClinVar:

ClinVar aggregate classification (germline): Conflicting classifications of pathogenicity. Review status: criteria provided, conflicting classifications (1 of 4 stars). 2 submissions from 2 submitters: Uncertain significance (1); Likely benign (1). Last evaluated 2026-01-26.

Conditions:
Cardiovascular phenotype. Identifiers: MedGen CN230736.
DiGeorge syndrome. Also called: THIRD AND FOURTH PHARYNGEAL POUCH SYNDROME; Catch22. Identifiers: Orphanet 567, MedGen C0012236, MONDO:0008564, OMIM 188400.

Submissions (2):

Labcorp Genetics (formerly Invitae), Labcorp
Classification: Likely benign for DiGeorge syndrome. Last evaluated: 2026-01-26. Review status: criteria provided, single submitter. Criteria: Invitae Variant Classification Sherloc (09022015). Collection method: clinical testing. Allele origin: germline.

Ambry Genetics
Classification: Uncertain significance for Cardiovascular phenotype. Last evaluated: 2012-09-26. Review status: criteria provided, single submitter. Criteria: Ambry Autosomal Dominant and X-Linked criteria (10/2015). Collection method: clinical testing. Allele origin: germline. Observed: 1 variant allele.
Comment: There is insufficient or conflicting evidence for classification of this alteration.

NM_001379200.1(TBX1):c.158CGC[6] (p.Pro57dup)

Gene: TBX1 (T-box transcription factor 1; plus strand). Cytogenetic location: 22q11.21.
Variant type: Microsatellite.
Coding change: c.158CGC[6] on transcript NM_001379200.1 (MANE Select); six copies in a row of the 3-base unit CGC starting at c.158; the reference has five copies in a row; one copy, 3 bases duplicated.
Protein change: p.Pro57dup; duplicates proline 57.
Molecular consequence: inframe insertion.
Genome position (GRCh38, 1-based): chr22:19,761,013-19,761,015, CGC duplicated; duplicating any 3 consecutive bases within chr22:19,761,000-19,761,015 gives the same sequence; the position shown is the placement nearest the transcript's 3' end. VCF-style (leftmost placement, unchanged base first): chr22-19760999-C-CCCG. GRCh37 (hg19) VCF-style: chr22-19748522-C-CCCG.
Other names: c.143_145dupCGC (NM_080647.1); c.131CGC[6], p.Pro48dup (NM_005992.1, NM_080646.2, NM_080647.1); c.143_145dup (NM_080647.1).
Identifiers: ClinVar variation 263404 (VCV000263404.13), dbSNP rs886038791, ClinGen allele CA10587955.